The following is an entry in ClinVar:

NM_005912.3(MC4R):c.750_751del (p.Ile251fs)

Gene: MC4R (melanocortin 4 receptor; minus strand). Cytogenetic location: 18q21.32.
Variant type: Deletion.
Coding change: c.750_751del on transcript NM_005912.3 (MANE Select); coding-DNA positions 750 to 751, 2 bases deleted (GA; older notation c.750_751delGA).
Protein change: p.Ile251fs; shifts the reading frame from isoleucine 251.
Molecular consequence: frameshift variant.
Genome position (GRCh38, 1-based): chr18:60,371,599-60,371,600, TC deleted on the plus strand (GA on the coding strand, the reverse complement: MC4R is on the minus strand). VCF-style (leftmost placement, unchanged base first): chr18-60371598-ATC-A. GRCh37 (hg19) VCF-style: chr18-58038831-ATC-A.
Other names: c.750_751delGA (NM_005912.2); short protein forms I251fs.
Identifiers: ClinVar variation 435828 (VCV000435828.48), dbSNP rs13447339, ClinGen allele CA8980846.
Genomic context (GRCh38, chr18:60,371,598, plus strand): 5'-CAAGAGATGTAGAATATTAAGTGGAGGAAGAATGGGGCCCAGCAGACAACAAAGACGCCA[ATC>A]AGGATGGTCAAGGTAATCGCTCCCTTCATATTGGCACCTTGGCGGATGGCACCAGTGCCG-3'

ClinVar aggregate classification (germline): Pathogenic/Likely pathogenic. Review status: criteria provided, multiple submitters, no conflicts (2 of 4 stars). 11 submissions from 11 submitters: Pathogenic (6); Likely pathogenic (4). 1 of the submissions does not count toward it. Last evaluated 2026-07-02.

Conditions:
BODY MASS INDEX QUANTITATIVE TRAIT LOCUS 20 (BMIQ20). Also called: MELANOCORTIN 4 RECEPTOR DEFICIENCY; MC4R DEFICIENCY. Identifiers: MedGen C4759928, OMIM 618406.
Obesity, autosomal dominant. Identifiers: MedGen CN233047.
Early onset severe obesity. Identifiers: MedGen C4013980.
MC4R-related disorder. Also called: MC4R-related condition.
Obesity. Also called: Obesity disorder. Identifiers: Orphanet 71529, MedGen C0028754, MeSH D009765, MONDO:0011122, HP:0001513.

Allele frequency attached by ClinVar (database versions not stated): gnomAD 0.00002 and 0.00003; TOPMed 0.00002; gnomAD exomes 0.00003 and 0.00004; ExAC 0.00006.

Submissions (11):

PreventionGenetics, part of Exact Sciences
Classification: Pathogenic for MC4R-related condition. Last evaluated: 2026-07-02. Review status: criteria provided, single submitter. Criteria: ACMG Guidelines, 2015. Collection method: clinical testing. Allele origin: germline.
Comment: The MC4R c.750_751delGA variant is predicted to result in a frameshift and premature protein termination (p.Ile251Trpfs*34). This variant has been reported in the heterozygous and homozygous states in individuals with obesity (see, for example, Lubrano-Berthelier et al. 2004. PubMed ID: 15126516; Welling et al. 2021. PubMed ID: 34291582; Zaitoon et al. 2023. PubMed ID: 37160786). In one family, the heterozygous parents and siblings were described as less severely affected than the homozygous proband (Lubrano-Berthelier et al. 2004. PubMed ID: 15126516). Functional characterization also revealed that this variant abolishes MC4R activity (Table 1, Hinney et al. 2003. PubMed ID: 12970296; Lubrano-Berthelier et al. 2004. PubMed ID: 15126516; Xiang et al. 2010. PubMed ID: 20462274). This variant is reported in 0.077% of alleles in individuals of Ashkenazi Jewish descent in a large population database. Frameshift variants in MC4R are expected to be pathogenic. This variant is interpreted as pathogenic.

Blueprint Genetics
Classification: Pathogenic for MC4R-related disorders. Last evaluated: 2024-09-20. Review status: criteria provided, single submitter. Criteria: ACMG Guidelines, 2015. Collection method: clinical testing. Allele origin: germline. Affected: yes. Observed: 2 variant alleles.

Cambridge Genomics Laboratory, East Genomic Laboratory Hub, NHS Genomic Medicine Service
Classification: Pathogenic for Severe early-onset obesity. Last evaluated: 2023-12-13. Review status: criteria provided, single submitter. Criteria: ACGS Best Practice Guidelines for Variant Classification in Rare Disease 2020. Collection method: clinical testing. Allele origin: germline. Affected: yes.
Comment: The p.Ile251Trpfs*34 variant is novel (not in any individuals) in 1kG All. (PM2 - Moderate) | This variant has been previously classified as pathogenic, indicating that the region is critical to protein function. There are 4 downstream pathogenic loss of function variants, with the furthest variant being 77 residues downstream of this variant. This indicates that the region is critical to protein function. The p.Ile251Trpfs*34 variant is a loss of function variant in the gene MC4R, which is intolerant of Loss of Function variants, as indicated by the presence of existing pathogenic loss of function variant NP_005903.2:p.S58Afs*7 and 2 others. (PVS1_Strong - Strong) | Functional studies demonstrate that this variant has a damaging effect on the gene or gene product (PS3 - Strong) | The variant cosegregates with the disease in multiple affected family members. (PP1 - Supporting) | The patient's phenotype or family history is highly specific for a disease with a single genetic etiology. (PP4 - Supporting)

GeneDx
Classification: Pathogenic. Last evaluated: 2023-11-08. Review status: criteria provided, single submitter. Criteria: GeneDx Variant Classification Process June 2021. Collection method: clinical testing. Allele origin: germline. Affected: yes.
Comment: Published functional studies demonstrate loss of MC4R function (PMID: 12970296, 20462274); Frameshift variant predicted to result in abnormal protein length as the last 82 amino acids are replaced with 33 different amino acids, and other similar variants have been reported in HGMD; This variant is associated with the following publications: (PMID: 20462274, 15126516, 12970296, 34045736)

Revvity Omics, Revvity
Classification: Pathogenic for BODY MASS INDEX QUANTITATIVE TRAIT LOCUS 20. Last evaluated: 2023-09-19. Review status: criteria provided, single submitter. Criteria: ACMG Guidelines, 2015. Collection method: clinical testing. Allele origin: germline.

Labcorp Genetics (formerly Invitae), Labcorp
Classification: Likely pathogenic. Last evaluated: 2023-05-22. Review status: criteria provided, single submitter. Criteria: Invitae Variant Classification Sherloc (09022015). Collection method: clinical testing. Allele origin: germline.
Comment: This sequence change creates a premature translational stop signal (p.Ile251Trpfs*34) in the MC4R gene. While this is not anticipated to result in nonsense mediated decay, it is expected to disrupt the last 82 amino acid(s) of the MC4R protein. This variant is present in population databases (rs13447339, gnomAD 0.08%). This premature translational stop signal has been observed in individual(s) with early-onset obesity (PMID: 12970296, 15126516, 20966905). It has also been observed to segregate with disease in related individuals. ClinVar contains an entry for this variant (Variation ID: 435828). Algorithms developed to predict the effect of variants on protein structure and function are not available or were not evaluated for this variant. Experimental studies have shown that this premature translational stop signal affects MC4R function (PMID: 12970296, 15126516, 20462274). In summary, the currently available evidence indicates that the variant is pathogenic, but additional data are needed to prove that conclusively. Therefore, this variant has been classified as Likely Pathogenic.

CeGaT Center for Human Genetics Tuebingen
Classification: Likely pathogenic. Last evaluated: 2022-12-01. Review status: criteria provided, single submitter. Criteria: CeGaT Center For Human Genetics Tuebingen Variant Classification Criteria Version 2. Collection method: clinical testing. Allele origin: germline. Affected: yes. Observed: 1 variant allele.

Fulgent Genetics
Classification: Likely pathogenic for BODY MASS INDEX QUANTITATIVE TRAIT LOCUS 20. Last evaluated: 2022-05-18. Review status: criteria provided, single submitter. Criteria: ACMG Guidelines, 2015. Collection method: clinical testing. Allele origin: unknown.

Broad Center for Mendelian Genomics, Broad Institute of MIT and Harvard
Classification: Likely pathogenic for Obesity. Last evaluated: 2020-01-22. Review status: criteria provided, single submitter. Criteria: ACMG Guidelines, 2015. Collection method: curation. Allele origin: germline. Inheritance: Autosomal dominant inheritance.
Comment: The p.Ile251Trpfs variant in MC4R has been reported in six North African individuals with obesity, segregated with disease in these six affected relatives from one family (PMID: 15126516), and has been identified in 0.08% (8/10366) of Ashkenazi Jewish chromosomes, 0.004% (1/24968) of African chromosomes, and 0.0008% (1/129092) of European (non-Finnish) chromosomes by the Genome Aggregation Database (gnomAD; dbSNP rs13447339). This variant has also been reported in ClinVar as pathogenic (Variation ID: 435828). In vitro functional studies provide some evidence that the p.Ile251Trpfs variant may impact protein function (PMID: 15126516). However, these types of assays may not accurately represent biological function. This variant is predicted to cause a frameshift, which alters the protein's amino acid sequence beginning at position 251 and leads to a premature termination codon 34 amino acids downstream. This alteration is then predicted to lead to a truncated protein since this is a single exon gene that is not predicted to undergo nonsense mediated decay. Heterozygous loss of function of the MC4R gene is an established disease mechanism in obesity. In summary, although additional studies are required to fully establish its clinical significance, this variant is likely pathogenic. ACMG/AMP Criteria applied: PVS1_moderate, PP1_moderate, PS3_moderate (Richards 2015).

Genetic Services Laboratory, University of Chicago
Classification: Pathogenic for Obesity, autosomal dominant. Last evaluated: 2016-07-29. Review status: criteria provided, single submitter. Criteria: ACMG Guidelines, 2015. Collection method: clinical testing. Allele origin: germline. Affected: yes.

OMIM
Classification: Pathogenic for OBESITY (BMIQ20). Last evaluated: 2004-05-01. Review status: no assertion criteria provided. Collection method: literature only. Allele origin: germline. Not counted in ClinVar's aggregate classification.

Literature cited by the submitters: PubMed 12970296 (cited by Labcorp Genetics (formerly Invitae), Labcorp); PubMed 15126516 (cited by 3 submitters); PubMed 20966905 (cited by Labcorp Genetics (formerly Invitae), Labcorp); PubMed 20462274 (cited by Labcorp Genetics (formerly Invitae), Labcorp).